The following is an entry in ClinVar:

ClinVar aggregate classification (germline): Conflicting classifications of pathogenicity. Review status: criteria provided, conflicting classifications (1 of 4 stars). 2 submissions from 2 submitters: Likely pathogenic (1); Uncertain significance (1). Last evaluated 2025-09-09.

Conditions:
Acyl-CoA dehydrogenase 9 deficiency. Also called: Acyl-CoA dehydrogenase family, member 9, deficiency of; MITOCHONDRIAL COMPLEX I DEFICIENCY, NUCLEAR TYPE 20. Identifiers: Orphanet 99901, MedGen C4747517, MONDO:0012624, OMIM 611126.

Submissions (2):

Women's Health and Genetics/Laboratory Corporation of America, LabCorp
Classification: Uncertain significance. Last evaluated: 2025-09-09. Review status: criteria provided, single submitter. Criteria: LabCorp Variant Classification Summary - May 2015. Collection method: clinical testing. Allele origin: germline.
Comment: Variant summary: ACAD9 c.1595G>T (p.Arg532Leu) results in a non-conservative amino acid change in the encoded protein sequence. Algorithms developed to predict the effect of missense changes on protein structure and function all suggest that this variant is likely to be disruptive. The variant was absent in 249762 control chromosomes. The available data on variant occurrences in the general population are insufficient to allow any conclusion about variant significance. To our knowledge, no occurrence of c.1595G>T in individuals affected with ACAD9-related conditions and no experimental evidence demonstrating its impact on protein function have been reported. A different variant affecting the same codon has been classified as pathogenic by our lab (c.1594C>T, p.Arg532Trp), supporting the critical relevance of codon 532 to ACAD9 protein function. ClinVar contains an entry for this variant (Variation ID: 3767183). Based on the evidence outlined above, the variant was classified as uncertain significance.

Service de Génétique Médicale, Centre Hospitalier Universitaire de Nice-Université Côte d'Azur
Classification: Likely pathogenic for Acyl-CoA dehydrogenase 9 deficiency. Last evaluated: 2024-02-27. Review status: criteria provided, single submitter. Criteria: ACMG Guidelines, 2015. Collection method: clinical testing. Allele origin: germline. Affected: yes.

Literature cited by the submitters: PubMed 38703036 (cited by Service de Génétique Médicale, Centre Hospitalier Universitaire de Nice-Université Côte d'Azur).

NM_014049.5(ACAD9):c.1595G>T (p.Arg532Leu)

Genes: ACAD9 (acyl-CoA dehydrogenase family member 9; plus strand), CFAP92 (cilia and flagella associated protein 92 (putative); minus strand). Cytogenetic location: 3q21.3.
Variant type: single nucleotide variant.
Coding change: c.1595G>T on transcript NM_014049.5 (MANE Select); coding-DNA position 1595, G replaced by T.
Protein change: p.Arg532Leu; replaces arginine 532 with leucine.
Molecular consequence: missense variant. On other transcripts: non-coding transcript variant (1), 3 prime UTR variant (3).
Genome position (GRCh38, 1-based): chr3:128,910,052, G>T. VCF-style: chr3-128910052-G-T. GRCh37 (hg19) VCF-style: chr3-128628895-G-T.
Other names: c.1226G>T, p.Arg409Leu (NM_001410805.1); c.*247C>A (NM_001348520.2, NM_001348521.2, NM_001394090.1); short protein forms R409L, R532L.
Identifiers: ClinVar variation 3767183 (VCV003767183.2).